The following is an entry in ClinVar:

ClinVar aggregate classification (germline): Benign (1 of 4 stars; one submission).

Allele frequency attached by ClinVar (database versions not stated): gnomAD 0.00507; TOPMed 0.00536; 1000 Genomes Project 30x 0.00547; ESP Exome Variant Server 0.00554; 1000 Genomes Project 0.00559; ExAC 0.00660.
gnomAD v4.1: 11,272 of 1,613,972 alleles (0.7%); highest among the groups gnomAD compares: Middle Eastern, 3.5%; 79 homozygotes.

Submission:

CeGaT Center for Human Genetics Tuebingen
Classification: Benign. Last evaluated: 2023-01-01. Review status: criteria provided, single submitter. Criteria: CeGaT Center For Human Genetics Tuebingen Variant Classification Criteria Version 2. Collection method: clinical testing. Allele origin: germline. Affected: yes. Observed: 1 variant allele.
Comment: INHBB: BP4, BP7, BS1, BS2

NM_002193.4(INHBB):c.945C>T (p.Ile315=)

Gene: INHBB (inhibin subunit beta B; plus strand). Cytogenetic location: 2q14.2.
Variant type: single nucleotide variant.
Coding change: c.945C>T on transcript NM_002193.4 (MANE Select); coding-DNA position 945, C replaced by T.
Protein change: p.Ile315=; no amino-acid change (isoleucine 315 retained).
Molecular consequence: synonymous variant.
Genome position (GRCh38, 1-based): chr2:120,349,595, C>T. VCF-style: chr2-120349595-C-T. GRCh37 (hg19) VCF-style: chr2-121107171-C-T.
Identifiers: ClinVar variation 2651316 (VCV002651316.24), dbSNP rs61737544, ClinGen allele CA1851257.